The following is an entry in ClinVar:

NM_001371623.1(TCOF1):c.1120G>T (p.Ala374Ser)

Gene: TCOF1 (treacle ribosome biogenesis factor 1; plus strand). Cytogenetic location: 5q32.
Variant type: single nucleotide variant.
Coding change: c.1120G>T on transcript NM_001371623.1 (MANE Select); coding-DNA position 1120, G replaced by T.
Protein change: p.Ala374Ser; replaces alanine 374 with serine.
Molecular consequence: missense variant.
Genome position (GRCh38, 1-based): chr5:150,374,653, G>T. VCF-style: chr5-150374653-G-T. GRCh37 (hg19) VCF-style: chr5-149754216-G-T.
Other names: c.889G>T, p.Ala297Ser (NM_000356.4, NM_001135245.2); c.1120G>T, p.Ala374Ser (NM_001008657.3, NM_001135243.2, NM_001135244.2 and 1 more transcripts); short protein forms A297S, A374S.
Identifiers: ClinVar variation 352200 (VCV000352200.17), dbSNP rs112039991, ClinGen allele CA3510764.

ClinVar aggregate classification (germline): Benign/Likely benign. Review status: criteria provided, multiple submitters, no conflicts (2 of 4 stars). 6 submissions from 6 submitters: Benign (3); Likely benign (3). Last evaluated 2025-12-23.

Conditions:
Treacher Collins syndrome 1 (TCS1). Also called: TCOF1-Related Treacher Collins Syndrome. Identifiers: Orphanet 861, MedGen CN315775, MONDO:0007944, OMIM 154500.

Allele frequency attached by ClinVar (database versions not stated): gnomAD exomes 0.00042 and 0.00090; ESP Exome Variant Server 0.00069; TOPMed 0.00077; gnomAD 0.00100 and 0.00079; 1000 Genomes Project 0.00280; 1000 Genomes Project 30x 0.00297.
gnomAD v4.1: 840 of 1,613,768 alleles (0.052%); highest among the groups gnomAD compares: South Asian, 0.5%; 8 homozygotes.

Submissions (6):

Labcorp Genetics (formerly Invitae), Labcorp
Classification: Benign for Treacher Collins syndrome 1. Last evaluated: 2025-12-23. Review status: criteria provided, single submitter. Criteria: Invitae Variant Classification Sherloc (09022015). Collection method: clinical testing. Allele origin: germline.

Blueprint Genetics
Classification: Likely benign. Last evaluated: 2024-11-11. Review status: criteria provided, single submitter. Criteria: ACMG Guidelines, 2015. Collection method: clinical testing. Allele origin: germline.

GeneDx
Classification: Benign. Last evaluated: 2019-02-27. Review status: criteria provided, single submitter. Criteria: GeneDx Variant Classification Process June 2021. Collection method: clinical testing. Allele origin: germline. Affected: yes.

Athena Diagnostics
Classification: Benign. Last evaluated: 2019-02-26. Review status: criteria provided, single submitter. Criteria: Athena Diagnostics Criteria. Collection method: clinical testing. Allele origin: germline.

Center for Pediatric Genomic Medicine, Children's Mercy Hospital and Clinics
Classification: Likely benign. Last evaluated: 2017-01-11. Review status: criteria provided, single submitter. Criteria: ACMG Guidelines, 2015. Collection method: clinical testing. Allele origin: germline.
ClinVar note: Converted during submission from Likely Benign to Likely benign.

Breakthrough Genomics
Classification: Likely benign. Review status: criteria provided, single submitter. Criteria: ACMG Guidelines, 2015. Collection method: not provided. Allele origin: germline. Inheritance: Autosomal dominant inheritance. Affected: yes.